The following is an entry in ClinVar:

NM_014912.5(CPEB3):c.2062G>A (p.Asp688Asn)

Gene: CPEB3 (cytoplasmic polyadenylation element binding protein 3; minus strand). Cytogenetic location: 10q23.32.
Variant type: single nucleotide variant.
Coding change: c.2062G>A on transcript NM_014912.5 (MANE Select); coding-DNA position 2062, G replaced by A.
Protein change: p.Asp688Asn; replaces aspartic acid 688 with asparagine.
Molecular consequence: missense variant.
Genome position (GRCh38, 1-based): chr10:92,052,247, C>T on the plus strand (G>A on the coding strand, the complement: CPEB3 is on the minus strand). VCF-style: chr10-92052247-C-T. GRCh37 (hg19) VCF-style: chr10-93812004-C-T.
Other names: c.2020G>A, p.Asp674Asn (NM_001178137.2); short protein forms D674N, D688N.
Identifiers: ClinVar variation 5034927 (VCV005034927.1).

ClinVar aggregate classification (germline): Uncertain significance (1 of 4 stars; one submission).

gnomAD v4.1: 2 of 1,613,868 alleles (0.00012%); highest among the groups gnomAD compares: South Asian, 0.0011%; no homozygotes.

Submission:

Ambry Genetics
Classification: Uncertain significance. Last evaluated: 2026-07-23. Review status: criteria provided, single submitter. Criteria: Ambry Variant Classification Scheme 2023. Collection method: clinical testing. Allele origin: germline.
Comment: The c.2062G>A (p.D688N) alteration is located in exon 10 (coding exon 9) of the CPEB3 gene. This alteration results from a G to A substitution at nucleotide position 2062, causing the aspartic acid (D) at amino acid position 688 to be replaced by an asparagine (N). Based on data from gnomAD, the A allele has an overall frequency of <0.001% (1/250632) total alleles studied. The highest observed frequency was 0.001% (1/113256) of European (non-Finnish) alleles. Based on insufficient or conflicting evidence, the clinical significance of this alteration remains unclear.